The following is an entry in ClinVar:

NM_000384.3(APOB):c.9066T>G (p.Asp3022Glu)

Gene: APOB (apolipoprotein B; minus strand). Cytogenetic location: 2p24.1.
Variant type: single nucleotide variant.
Coding change: c.9066T>G on transcript NM_000384.3 (MANE Select); coding-DNA position 9066, T replaced by G.
Protein change: p.Asp3022Glu; replaces aspartic acid 3022 with glutamic acid.
Molecular consequence: missense variant.
Genome position (GRCh38, 1-based): chr2:21,007,802, A>C on the plus strand (T>G on the coding strand, the complement: APOB is on the minus strand). VCF-style: chr2-21007802-A-C. GRCh37 (hg19) VCF-style: chr2-21230674-A-C.
Other names: short protein forms D3022E.
Identifiers: ClinVar variation 5027420 (VCV005027420.1).
Genomic context (GRCh38, chr2:21,007,802, plus strand): 5'-CTGGGCTGAAAAGAAAAGAGAATTTTTCAAAGTTCCAATAACCTTTCCATTTAAATGAGC[A>C]TCATGCCTCCCAGTAAACTCTGCCTTCCCTTCTCCAAACAGTGCCATGCCTTTAGCAGTT-3'
Protein context (NP_000375.3, residues 3012-3032): EGKAEFTGRH[Asp3022Glu]AHLNGKVIGT

ClinVar aggregate classification (germline): Uncertain significance (1 of 4 stars; one submission).

Conditions:
Cardiovascular phenotype. Identifiers: MedGen CN230736.

Submission:

Ambry Genetics
Classification: Uncertain significance for Cardiovascular phenotype. Last evaluated: 2026-07-02. Review status: criteria provided, single submitter. Criteria: Ambry Variant Classification Scheme 2023. Collection method: clinical testing. Allele origin: germline.
Comment: The p.D3022E variant (also known as c.9066T>G), located in coding exon 26 of the APOB gene, results from a T to G substitution at nucleotide position 9066. The aspartic acid at codon 3022 is replaced by glutamic acid, an amino acid with highly similar properties. This amino acid position is conserved. In addition, this alteration is predicted to be tolerated by in silico analysis. Based on the available evidence, the clinical significance of this variant remains unclear.